The following is an entry in ClinVar:

NM_201384.3(PLEC):c.1087C>T (p.Pro363Ser)

Gene: PLEC (plectin; minus strand). Cytogenetic location: 8q24.3.
Variant type: single nucleotide variant.
Coding change: c.1087C>T on transcript NM_201384.3 (MANE Select); coding-DNA position 1087, C replaced by T.
Protein change: p.Pro363Ser; replaces proline 363 with serine.
Molecular consequence: missense variant.
Genome position (GRCh38, 1-based): chr8:143,934,400, G>A on the plus strand (C>T on the coding strand, the complement: PLEC is on the minus strand). VCF-style: chr8-143934400-G-A. GRCh37 (hg19) VCF-style: chr8-145008568-G-A.
Other names: c.1168C>T, p.Pro390Ser (NM_000445.5, NM_001410941.1); c.1045C>T, p.Pro349Ser (NM_201378.4); c.1021C>T, p.Pro341Ser (NM_201379.3); c.1498C>T, p.Pro500Ser (NM_201380.4); c.991C>T, p.Pro331Ser (NM_201381.3); c.1087C>T, p.Pro363Ser (NM_201382.4); c.1099C>T, p.Pro367Ser (NM_201383.3); short protein forms P331S, P500S, P349S, P367S, P390S, P341S, P363S.
Identifiers: ClinVar variation 2922054 (VCV002922054.3), dbSNP rs781809661, ClinGen allele CA4928174.

ClinVar aggregate classification (germline): Uncertain significance (1 of 4 stars; one submission).

Conditions:
Epidermolysis bullosa simplex with nail dystrophy (EBS5D). Identifiers: MedGen C4225309, MONDO:0014661, OMIM 616487.
Epidermolysis bullosa simplex, Ogna type (EBS5A). Also called: EPIDERMOLYSIS BULLOSA SIMPLEX 5A, OGNA TYPE; Pidermolysis bullosa simplex 5A, Ogna type. Identifiers: Orphanet 79401, MedGen C0432317, MONDO:0007555, OMIM 131950.
Epidermolysis bullosa simplex 5C, with pyloric atresia (EBS5C). Also called: PLEC1-Related Epidermolysis Bullosa with Pyloric Atresia; PLEC-Related Epidermolysis Bullosa with Pyloric Atresia; Epidermolysis bullosa simplex with pyloric atresia. Identifiers: Orphanet 158684, MedGen C2677349, MONDO:0012807, OMIM 612138.
Autosomal recessive limb-girdle muscular dystrophy type 2Q (LGMDR17). Also called: MUSCULAR DYSTROPHY, LIMB-GIRDLE, AUTOSOMAL RECESSIVE 17. Identifiers: Orphanet 254361, MedGen C3150989, MONDO:0013390, OMIM 613723.
Epidermolysis bullosa simplex 5B, with muscular dystrophy (EBS5B). Also called: EPIDERMOLYSIS BULLOSA SIMPLEX AND LIMB-GIRDLE MUSCULAR DYSTROPHY; Epidermolysis bullosa simplex with muscular dystrophy. Identifiers: Orphanet 257, MedGen C2931072, MONDO:0009181, OMIM 226670.

gnomAD v4.1: 14 of 1,612,354 alleles (0.00087%); highest among the groups gnomAD compares: Admixed American, 0.0017%; no homozygotes.

Submission:

Labcorp Genetics (formerly Invitae), Labcorp
Classification: Uncertain significance for Autosomal recessive limb-girdle muscular dystrophy type 2Q; Epidermolysis bullosa simplex, Ogna type; Epidermolysis bullosa simplex with nail dystrophy; Epidermolysis bullosa simplex 5C, with pyloric atresia; Epidermolysis bullosa simplex 5B, with muscular dystrophy. Last evaluated: 2023-08-19. Review status: criteria provided, single submitter. Criteria: Invitae Variant Classification Sherloc (09022015). Collection method: clinical testing. Allele origin: germline.
Comment: This variant has not been reported in the literature in individuals affected with PLEC-related conditions. This variant is present in population databases (rs781809661, gnomAD 0.003%). This sequence change replaces proline, which is neutral and non-polar, with serine, which is neutral and polar, at codon 390 of the PLEC protein (p.Pro390Ser). In summary, the available evidence is currently insufficient to determine the role of this variant in disease. Therefore, it has been classified as a Variant of Uncertain Significance. Experimental studies and prediction algorithms are not available or were not evaluated, and the functional significance of this variant is currently unknown.